The following is an entry in ClinVar:

NM_000451.4(SHOX):c.279G>C (p.Gly93=)

Genes: SHOX (SHOX homeobox; plus strand), LOC107652445 (meiotic recombination hotspot SHOX; plus strand). Cytogenetic location: Xp22.33.
Variant type: single nucleotide variant.
Coding change: c.279G>C on transcript NM_000451.4 (MANE Select); coding-DNA position 279, G replaced by C.
Protein change: p.Gly93=; no amino-acid change (glycine 93 retained).
Molecular consequence: synonymous variant.
Genome position (GRCh38, 1-based): chrX:634,619, G>C. VCF-style: chrX-634619-G-C. GRCh37 (hg19) VCF-style: chrX-595354-G-C.
Other names: c.279G>C, p.Gly93= (NM_006883.2).
Identifiers: ClinVar variation 4847637 (VCV004847637.2).

ClinVar aggregate classification (germline): Conflicting classifications of pathogenicity. Review status: criteria provided, conflicting classifications (1 of 4 stars). 2 submissions from 2 submitters: Uncertain significance (1); Likely benign (1). Last evaluated 2026-09-01.

gnomAD v4.1: 27 of 1,613,480 alleles (0.0017%); highest among the groups gnomAD compares: Non-Finnish European, 0.0023%; no homozygotes.

Submissions (2):

CeGaT Center for Human Genetics Tuebingen
Classification: Likely benign. Last evaluated: 2026-09-01. Review status: criteria provided, single submitter. Criteria: CeGaT Center For Human Genetics Tuebingen Variant Classification Criteria Version 2. Collection method: clinical testing. Allele origin: germline. Affected: yes. Observed: 1 variant allele.
Comment: SHOX: BP4, BP7, BS2

Women's Health and Genetics/Laboratory Corporation of America, LabCorp
Classification: Uncertain significance. Last evaluated: 2026-03-27. Review status: criteria provided, single submitter. Criteria: LabCorp Variant Classification Summary - May 2015. Collection method: clinical testing. Allele origin: germline.
Comment: Variant summary: SHOX c.279G>C (p.Gly93Gly) alters a non-conserved nucleotide located close to a canonical splice site and therefore could affect mRNA splicing, leading to a significantly altered protein sequence. Consensus agreement among computation tools predict no significant impact on normal splicing. However, these predictions have yet to be confirmed by functional studies. The variant allele was found at a frequency of 8e-06 in 249940 control chromosomes. The available data on variant occurrences in the general population are insufficient to allow any conclusion about variant significance. To our knowledge, no occurrence of c.279G>C in individuals affected with SHOX-related conditions and no experimental evidence demonstrating its impact on protein function have been reported. No submitters have cited clinical-significance assessments for this variant to ClinVar. Based on the evidence outlined above, the variant was classified as uncertain significance.